The following is an entry in ClinVar:

ClinVar aggregate classification (germline): Pathogenic (1 of 4 stars; one submission).

Submission:

ISCA site 17
Classification: Pathogenic. Last evaluated: 2011-08-12. Review status: criteria provided, single submitter. Criteria: Kaminsky et al. (Genet Med. 2011). Collection method: clinical testing. Allele origin: unknown. Affected: yes. Observed: 1 variant allele.
Comment: Copy number variation identified through the course of routine clinical cytogenomic testing in postnatal populations. Clinical assertions have been curated as described in Kaminsky et al. 2011.

GRCh38/hg38 4p16.3-16.2(chr4:72555-5212384)x1

Genes: ADD1 (adducin 1; plus strand), ADRA2C (adrenoceptor alpha 2C; plus strand), ASPNAT (aspartate N-acetyltransferase; plus strand), ATP5ME (ATP synthase membrane subunit e; minus strand), CFAP99 (cilia and flagella associated protein 99; plus strand) and 327 more. Cytogenetic location: 4p16.3-16.2.
Variant type: copy number loss.
Change: copy number 1 (one copy instead of two) of chr4:72,555-5,212,384 (5.14 Mb, GRCh38 coordinates, 1-based), cytogenetic band 4p16.3-16.2.
Identifiers: ClinVar variation 57935 (VCV000057935.1).